The following is an entry in ClinVar:

NM_004360.5(CDH1):c.1170CGT[1] (p.Val392del)

Gene: CDH1 (cadherin 1; plus strand). Cytogenetic location: 16q22.1.
Variant type: Microsatellite.
Coding change: c.1170CGT[1] on transcript NM_004360.5 (MANE Select); one copy of the 3-base unit CGT starting at c.1170; the reference has two copies in a row; one copy, 3 bases deleted; also written c.1173_1175del.
Protein change: p.Val392del; deletes valine 392.
Molecular consequence: inframe deletion. On other transcripts: 5 prime UTR variant (2), intron variant (1).
Genome position (GRCh38, 1-based): chr16:68,813,348-68,813,350, CGT deleted; deleting any 3 consecutive bases within chr16:68,813,345-68,813,350 gives the same sequence; the position shown is the placement nearest the transcript's 3' end. VCF-style (leftmost placement, unchanged base first): chr16-68813344-ACGT-A. GRCh37 (hg19) VCF-style: chr16-68847247-ACGT-A.
Other names: c.1173_1175del (NM_004360.3); c.-446CGT[1] (NM_001317185.2); c.-650CGT[1] (NM_001317186.2); c.1137+1085_1137+1087del (NM_001317184.2); short protein forms V392del.
Identifiers: ClinVar variation 481037 (VCV000481037.18), dbSNP rs1555515872, ClinGen allele CA658658487.
Genomic context (GRCh38, chr16:68,813,344, plus strand): 5'-TGTAAATGACACATCTCTTTGCTCTGCAGTACAAGGGTCAGGTGCCTGAGAACGAGGCTA[ACGT>A]CGTAATCACCACACTGAAAGTGACTGATGCTGATGCCCCCAATACCCCAGCGTGGGAGGC-3'

ClinVar aggregate classification (germline): Uncertain significance. Review status: criteria provided, multiple submitters, no conflicts (2 of 4 stars). 4 submissions from 3 submitters: Uncertain significance (3). 1 of the submissions does not count toward it. Last evaluated 2024-12-15.

Conditions:
Hereditary cancer-predisposing syndrome. Also called: Hereditary neoplastic syndrome; Neoplastic Syndromes, Hereditary; Tumor predisposition; Hereditary Cancer Syndrome. Identifiers: Orphanet 140162, MedGen C0027672, MeSH D009386, MONDO:0015356.
Ovarian cancer. Also called: OVARIAN CANCER, SOMATIC. Identifiers: Orphanet 213500, MedGen C1140680, MONDO:0008170, OMIM 167000.
Familial cancer of breast. Also called: BREAST CANCER, FAMILIAL; Hereditary breast cancer; hereditary breast carcinoma. Identifiers: Orphanet 227535, MedGen C0346153, MONDO:0016419, OMIM 114480. Disease mechanism: loss of function.
Hereditary diffuse gastric adenocarcinoma (HDGC). Also called: DIFFUSE GASTRIC AND LOBULAR BREAST CANCER SYNDROME. Identifiers: Orphanet 26106, MedGen C1708349, MONDO:0007648, OMIM 137215.
Malignant tumor of breast. Also called: Malignant breast neoplasm; Cancer breast. Identifiers: MedGen C0006142, MONDO:0007254. Disease mechanism: loss of function.

Submissions (4):

Labcorp Genetics (formerly Invitae), Labcorp
Classification: Uncertain significance for Hereditary diffuse gastric adenocarcinoma. Last evaluated: 2024-12-15. Review status: criteria provided, single submitter. Criteria: Invitae Variant Classification Sherloc (09022015). Collection method: clinical testing. Allele origin: germline.
Comment: This variant, c.1173_1175del, results in the deletion of 1 amino acid(s) of the CDH1 protein (p.Val392del), but otherwise preserves the integrity of the reading frame. This variant is not present in population databases (gnomAD no frequency). This variant has not been reported in the literature in individuals affected with CDH1-related conditions. ClinVar contains an entry for this variant (Variation ID: 481037). Experimental studies and prediction algorithms are not available or were not evaluated, and the functional significance of this variant is currently unknown. In summary, the available evidence is currently insufficient to determine the role of this variant in disease. Therefore, it has been classified as a Variant of Uncertain Significance.

Ambry Genetics
Classification: Uncertain significance for Hereditary cancer-predisposing syndrome. Last evaluated: 2019-08-31. Review status: criteria provided, single submitter. Criteria: Ambry Variant Classification Scheme 2023. Collection method: clinical testing. Allele origin: germline.
Comment: The c.1173_1175delCGT variant (also known as p.V392del) is located in coding exon 9 of the CDH1 gene. This variant results from an in-frame CGT deletion at nucleotide positions 1173 to 1175. This results in the in-frame deletion of a valine at codon 392. The deleted amino acid position is poorly conserved in available vertebrate species. However, this alteration is predicted to be deleterious by in silico analysis (Choi Y et al. PLoS ONE. 2012; 7(10):e46688). Since supporting evidence is limited at this time, the clinical significance of this alteration remains unclear.

Department of Pathology and Laboratory Medicine, Sinai Health System
Classification: Uncertain significance for Familial cancer of breast; Ovarian cancer. Last evaluated: 2019-08-09. Review status: criteria provided, single submitter. Criteria: ACMG Guidelines, 2015. Collection method: clinical testing. Allele origin: germline. Affected: yes.

Department of Pathology and Laboratory Medicine, Sinai Health System
Classification: Uncertain significance for Malignant tumor of breast. Review status: no assertion criteria provided. Collection method: clinical testing. Allele origin: unknown. Affected: yes. Study: The Canadian Open Genetics Repository (COGR). Not counted in ClinVar's aggregate classification.
Comment: The CDH1 p.Val392del variant was not identified in the literature nor was it identified in the dbSNP database. The variant was identified in ClinVar (interpreted as "uncertain significance" by Invitae and Ambry Genetics). The variant was not identified in the Exome Aggregation Consortium (August 8th 2016), or the Genome Aggregation Database (Feb 27, 2017). This variant is an in-frame deletion resulting in the removal of a valine (Val) residue at codon 392; the impact of this alteration on CDH1 protein function is not known. Two out of five in silico or computational prediction software programs (SpliceSiteFinder, MaxEntScan, NNSPLICE, GeneSplicer) predict a greater than 10% difference in splicing. In summary, based on the above information the clinical significance of this variant cannot be determined with certainty at this time. This variant is classified as a variant of uncertain significance.